The following is an entry in ClinVar:

ClinVar aggregate classification (germline): Conflicting classifications of pathogenicity. Review status: criteria provided, conflicting classifications (1 of 4 stars). 20 submissions from 16 submitters: Uncertain significance (11); Benign (1); Likely benign (8). Last evaluated 2026-05-27.

Conditions:
NF1-related disorder. Also called: NF1-related condition. Identifiers: MedGen CN379171.
Cardiovascular phenotype. Identifiers: MedGen CN230736.
Hereditary cancer-predisposing syndrome. Also called: Neoplastic Syndromes, Hereditary; Tumor predisposition; Hereditary neoplastic syndrome; Hereditary Cancer Syndrome. Identifiers: Orphanet 140162, MedGen C0027672, MeSH D009386, MONDO:0015356.
Juvenile myelomonocytic leukemia (JMML). Also called: LEUKEMIA, JUVENILE MYELOMONOCYTIC, SOMATIC. Identifiers: Orphanet 86834, MedGen C0349639, MONDO:0011908, OMIM 607785, HP:0012209.
Neurofibromatosis-Noonan syndrome (NFNS). Also called: NEUROFIBROMATOSIS WITH NOONAN PHENOTYPE. Identifiers: Orphanet 638, MedGen C2931482, MONDO:0011035, OMIM 601321. Disease mechanism: loss of function.
Café-au-lait macules with pulmonary stenosis (WTSN). Also called: PULMONIC STENOSIS WITH CAFE-AU-LAIT SPOTS. Identifiers: MedGen C0553586, MONDO:0008672, OMIM 193520.
Neurofibromatosis, familial spinal (FSNF). Identifiers: Orphanet 636, MedGen C1834235, MONDO:0008078, OMIM 162210. Disease mechanism: loss of function.
Neurofibromatosis, type 1 (NF1). Also called: VON RECKLINGHAUSEN DISEASE; Peripheral type neurofibromatosis; Neurofibromatosis, type I; NEUROFIBROMATOSIS, TYPE I, SOMATIC. Identifiers: Orphanet 636, MedGen C0027831, MONDO:0018975, OMIM 162200. Disease mechanism: loss of function.

Allele frequency attached by ClinVar (database versions not stated): gnomAD 0.00004; TOPMed 0.00005; gnomAD exomes 0.00006 and 0.00011; ESP Exome Variant Server 0.00008; ExAC 0.00010.
gnomAD v4.1: 105 of 1,613,674 alleles (0.0065%); highest among the groups gnomAD compares: Middle Eastern, 0.066%; no homozygotes.

Submissions (20):

PreventionGenetics, part of Exact Sciences
Classification: Likely benign for NF1-related condition. Last evaluated: 2026-05-27. Review status: criteria provided, single submitter. Criteria: ACMG Guidelines, 2015. Collection method: clinical testing. Allele origin: germline.
Comment: This variant is classified as likely benign based on ACMG/AMP sequence variant interpretation guidelines (Richards et al. 2015 PMID: 25741868, with internal and published modifications).

Labcorp Genetics (formerly Invitae), Labcorp
Classification: Benign for Neurofibromatosis, type 1. Last evaluated: 2026-02-02. Review status: criteria provided, single submitter. Criteria: Invitae Variant Classification Sherloc (09022015). Collection method: clinical testing. Allele origin: germline.

Dasa
Classification: Uncertain significance. Last evaluated: 2025-08-28. Review status: criteria provided, single submitter. Criteria: DASA Assertion Criteria. Collection method: clinical testing. Allele origin: germline.
Comment: NM_001042492.3(NF1):c.3883A>G (p.Thr1295Ala) is a missense variant that results in the substitution of threonine with alanine. This variant is rare in population databases. Computational prediction algorithms are consistent with a benign effect. The currently available literature and clinical evidence are not sufficient to establish a definitive association between this variant and the reported condition. Therefore, this variant is classified as a variant of uncertain significance.

St. Jude Molecular Pathology, St. Jude Children's Research Hospital
Classification: Uncertain significance for Neurofibromatosis, type 1. Last evaluated: 2025-06-17. Review status: criteria provided, single submitter. Criteria: St. Jude Assertion Criteria 2020. Collection method: clinical testing. Allele origin: germline.
Comment: The NF1 c.3883A>G (p.Thr1295Ala) missense change has a maximum subpopulation frequency of 0.017% in gnomAD v2.1.1. The in silico tool REVEL predicts a benign eff ect on protein function, but to our knowledge this prediction has not been confirmed by functional studies. This variant has been reported in a large case-control study of breast cancer in 5 of 60,466 cases and 5 of 53,461 controls (PMID: 33471991). To our knowledge, this variant has not been reported in individuals with Neurofibromatosis type 1. In summary, the evidence currently available is insufficient to determine the clinical significance of this variant. It has therefore been classified as of uncertain significance.

Blueprint Genetics
Classification: Likely benign. Last evaluated: 2024-03-18. Review status: criteria provided, single submitter. Criteria: ACMG Guidelines, 2015. Collection method: clinical testing. Allele origin: germline.

Quest Diagnostics Nichols Institute San Juan Capistrano
Classification: Likely benign. Last evaluated: 2024-01-16. Review status: criteria provided, single submitter. Criteria: Quest Diagnostics criteria. Collection method: clinical testing. Allele origin: unknown.
Comment: The frequency of this variant in the general population is higher than would generally be expected for pathogenic variants in this gene. Computational tools predict this amino acid change may be benign. This variant has been seen where an alternate explanation for disease was also identified.

Medical Genetics, University of Parma
Classification: Likely benign for Neurofibromatosis, type 1. Last evaluated: 2022-08-17. Review status: criteria provided, single submitter. Criteria: ACMG Guidelines, 2015. Collection method: clinical testing. Allele origin: germline. Inheritance: Autosomal dominant inheritance. Affected: yes.

Sema4
Classification: Uncertain significance for Hereditary cancer-predisposing syndrome. Last evaluated: 2021-08-12. Review status: criteria provided, single submitter. Criteria: Sema4 Curation Guidelines. Collection method: curation. Allele origin: germline.
Comment: The NF1 c.3883A>G (p.T1295A) variant has been reported in 5 cases and 5 controls from a breast cancer case-control study (PMID: 33471991). This variant has also been reported in two individuals undergoing multigene hereditary cancer testing; however no clinical phenotype was provided for these individuals (PMID: 31159747). It was observed in 6/34592 chromosomes in the Latino subpopulation in the large and broad cohorts of the Genome Aggregation Database (PMID: 32461654). The variant has been reported in ClinVar (Variation ID:185777). Functional studies have not been performed, and in silico predictions of the variant's effect on protein function are inconclusive. The evidence is insufficient to meet ACMG/AMP criteria for classifying the variant as benign or pathogenic. Thus, the clinical significance of this variant is currently uncertain.

Baylor Genetics
Classification: Uncertain significance for Neurofibromatosis, type 1. Last evaluated: 2020-04-10. Review status: criteria provided, single submitter. Criteria: ACMG Guidelines, 2015. Collection method: clinical testing. Allele origin: maternal. Affected: yes. Study: CSER-TexasKidsCanSeq.
Comment: This variant was determined to be of uncertain significance according to ACMG Guidelines, 2015 [PMID:25741868].

Ambry Genetics
Classification: Likely benign for Cardiovascular phenotype; Hereditary cancer-predisposing syndrome. Last evaluated: 2020-01-07. Review status: criteria provided, single submitter. Criteria: Ambry Variant Classification Scheme 2023. Collection method: clinical testing. Allele origin: germline.

Women's Health and Genetics/Laboratory Corporation of America, LabCorp
Classification: Uncertain significance. Last evaluated: 2019-08-13. Review status: criteria provided, single submitter. Criteria: LabCorp Variant Classification Summary - May 2015. Collection method: clinical testing. Allele origin: germline.
Comment: Variant summary: NF1 c.3883A>G (p.Thr1295Ala) results in a non-conservative amino acid change located in the Ras GTPase-activating domain (IPR001936) of the encoded protein sequence. Three of five in-silico tools predict a benign effect of the variant on protein function. The variant allele was found at a frequency of 0.00011 in 251404 control chromosomes. This frequency is not significantly higher than expected for a pathogenic variant in NF1 causing Neurofibromatosis Type 1 (0.00011 vs 0.00021), allowing no conclusion about variant significance. c.3883A>G has been reported in the literature in individuals affected with cancer of the central nervous system (Wang_2017) and other cancers (Mandelker_2017). These reports do not provide unequivocal conclusions about association of the variant with Neurofibromatosis Type 1. To our knowledge, no experimental evidence demonstrating an impact on protein function has been reported. Six clinical diagnostic laboratories have submitted clinical-significance assessments for this variant to ClinVar after 2014 (5x VUS, 1x likely benign). Based on the evidence outlined above, the variant was classified as uncertain significance.

GeneKor MSA
Classification: Uncertain significance for Hereditary cancer-predisposing syndrome. Last evaluated: 2018-08-01. Review status: criteria provided, single submitter. Criteria: ACMG Guidelines, 2015. Collection method: clinical testing. Allele origin: germline. Affected: yes.

GeneDx
Classification: Likely benign. Last evaluated: 2018-01-25. Review status: criteria provided, single submitter. Criteria: GeneDx Variant Classification (06012015). Collection method: clinical testing. Allele origin: germline. Affected: yes.
Comment: This variant is considered likely benign or benign based on one or more of the following criteria: it is a conservative change, it occurs at a poorly conserved position in the protein, it is predicted to be benign by multiple in silico algorithms, and/or has population frequency not consistent with disease.

Illumina Laboratory Services, Illumina
Classification: Uncertain significance for Café-au-lait macules with pulmonary stenosis. Last evaluated: 2018-01-13. Review status: criteria provided, single submitter. Criteria: ICSL Variant Classification Criteria 13 December 2019. Collection method: clinical testing. Allele origin: germline.

Illumina Laboratory Services, Illumina
Classification: Uncertain significance for Neurofibromatosis, type 1. Last evaluated: 2018-01-13. Review status: criteria provided, single submitter. Criteria: ICSL Variant Classification Criteria 13 December 2019. Collection method: clinical testing. Allele origin: germline.

Illumina Laboratory Services, Illumina
Classification: Likely benign for Neurofibromatosis-Noonan syndrome. Last evaluated: 2018-01-13. Review status: criteria provided, single submitter. Criteria: ICSL Variant Classification Criteria 13 December 2019. Collection method: clinical testing. Allele origin: germline.
Comment: This variant was observed in the ICSL laboratory as part of a predisposition screen in an ostensibly healthy population. It had not been previously curated by ICSL or reported in the Human Gene Mutation Database (HGMD: prior to June 1st, 2018), and was therefore a candidate for classification through an automated scoring system. Utilizing variant allele frequency, disease prevalence and penetrance estimates, and inheritance mode, an automated score was calculated to assess if this variant is too frequent to cause the disease. Based on the score and internal cut-off values, a variant classified as likely benign is not then subjected to further curation. The score for this variant resulted in a classification of likely benign for this disease.

Illumina Laboratory Services, Illumina
Classification: Uncertain significance for Neurofibromatosis, familial spinal. Last evaluated: 2018-01-13. Review status: criteria provided, single submitter. Criteria: ICSL Variant Classification Criteria 13 December 2019. Collection method: clinical testing. Allele origin: germline.

Fulgent Genetics
Classification: Uncertain significance for Neurofibromatosis, type 1; Neurofibromatosis, familial spinal; Café-au-lait macules with pulmonary stenosis; Neurofibromatosis-Noonan syndrome; Juvenile myelomonocytic leukemia. Last evaluated: 2017-05-23. Review status: criteria provided, single submitter. Criteria: ACMG Guidelines, 2015. Collection method: clinical testing. Allele origin: unknown.

Laboratory for Molecular Medicine, Mass General Brigham Personalized Medicine
Classification: Uncertain significance. Last evaluated: 2016-11-03. Review status: criteria provided, single submitter. Criteria: LMM Criteria. Collection method: clinical testing. Allele origin: germline. Observed: 2 variant alleles.
Comment: Variant classified as Uncertain Significance - Favor Benign. It has been identi fied in 10/66730 European chromosomes by the Exome Aggregation Consortium (ExAC; dbSNP rs143836226). Computational prediction to ols and conservation analysis suggest that the p.Thr1295Ala variant may not impa ct the protein, though this information is not predictive enough to rule out pat hogenicity. In summary, while the clinical significance of the p.Thr1295Ala vari ant is uncertain, these data suggest that it is more likely to be benign.

Ambry Genetics
Classification: Likely benign for Hereditary cancer-predisposing syndrome. Last evaluated: 2015-11-28. Review status: criteria provided, single submitter. Criteria: Ambry Autosomal Dominant and X-Linked criteria (10/2015). Collection method: clinical testing. Allele origin: germline. Observed: 1 variant allele.
Comment: Insufficient evidence

Literature cited by the submitters: PubMed 33471991 (cited by Sema4); PubMed 31159747 (cited by Sema4); PubMed 28873162 (cited by Women's Health and Genetics/Laboratory Corporation of America, LabCorp); PubMed 28976792 (cited by Women's Health and Genetics/Laboratory Corporation of America, LabCorp).

NM_001042492.3(NF1):c.3883A>G (p.Thr1295Ala)

Gene: NF1 (neurofibromin 1; plus strand). Cytogenetic location: 17q11.2.
Variant type: single nucleotide variant.
Coding change: c.3883A>G on transcript NM_001042492.3 (MANE Select); coding-DNA position 3883, A replaced by G.
Protein change: p.Thr1295Ala; replaces threonine 1295 with alanine.
Molecular consequence: missense variant.
Genome position (GRCh38, 1-based): chr17:31,235,930, A>G. VCF-style: chr17-31235930-A-G. GRCh37 (hg19) VCF-style: chr17-29562948-A-G.
Other names: c.3883A>G, p.Thr1295Ala (NM_000267.4); short protein forms T1295A.
Identifiers: ClinVar variation 185777 (VCV000185777.34), dbSNP rs143836226, ClinGen allele CA192901.